The following is an entry in ClinVar:

NM_001039141.3(TRIOBP):c.6039C>G (p.Pro2013=)

Gene: TRIOBP (TRIO and F-actin binding protein; plus strand). Cytogenetic location: 22q13.1.
Variant type: single nucleotide variant.
Coding change: c.6039C>G on transcript NM_001039141.3 (MANE Select); coding-DNA position 6039, C replaced by G.
Protein change: p.Pro2013=; no amino-acid change (proline 2013 retained).
Molecular consequence: synonymous variant.
Genome position (GRCh38, 1-based): chr22:37,757,964, C>G. VCF-style: chr22-37757964-C-G. GRCh37 (hg19) VCF-style: chr22-38153971-C-G.
Other names: c.900C>G, p.Pro300= (NM_007032.5, NM_138632.2).
Identifiers: ClinVar variation 228039 (VCV000228039.5), dbSNP rs876657596, ClinGen allele CA10224864.

ClinVar aggregate classification (germline): Likely benign (1 of 4 stars; one submission).

Allele frequency attached by ClinVar (database versions not stated): gnomAD 0.00002; gnomAD exomes 0.00003; ExAC 0.00004; TOPMed 0.00006.
gnomAD v4.1: 50 of 1,572,510 alleles (0.0032%); highest among the groups gnomAD compares: Admixed American, 0.0038%; no homozygotes.

Submission:

Laboratory for Molecular Medicine, Mass General Brigham Personalized Medicine
Classification: Likely benign. Last evaluated: 2015-12-31. Review status: criteria provided, single submitter. Criteria: LMM Criteria. Collection method: clinical testing. Allele origin: germline. Observed: 1 variant allele.
Comment: p.Pro2013Pro in exon 16 of TRIOBP: This variant is not expected to have clinical significance because it does not alter an amino acid residue and is not located within the splice consensus sequence. It has been identified in 1/11398 Europea n chromosomes by the Exome Aggregation Consortium (ExAC).